The following is an entry in ClinVar:

ClinVar aggregate classification (germline): Uncertain significance. Review status: criteria provided, multiple submitters, no conflicts (2 of 4 stars). 4 submissions from 4 submitters: Uncertain significance (3). 1 of the submissions does not count toward it. Last evaluated 2023-12-05.

Conditions:
Cystic fibrosis (CF). Also called: MUCOVISCIDOSIS. Identifiers: Orphanet 586, MedGen C0010674, MONDO:0009061, OMIM 219700. Disease mechanism: loss of function.
CFTR-related disorder (CFTR-RD). Also called: CFTR-related disorders; CFTR-related condition. Identifiers: MedGen C5924204, MONDO:7770004.

Allele frequency attached by ClinVar (database versions not stated): gnomAD exomes 0.00001; TOPMed 0.00001.
gnomAD v4.1: 1 of 1,524,472 alleles (0.000066%); highest among the groups gnomAD compares: Admixed American, 0.0023%; no homozygotes.

Submissions (4):

Ambry Genetics
Classification: Uncertain significance for Cystic fibrosis. Last evaluated: 2023-12-05. Review status: criteria provided, single submitter. Criteria: Ambry Variant Classification Scheme 2023. Collection method: clinical testing. Allele origin: germline.
Comment: The p.L802F variant (also known as c.2406G>C), located in coding exon 14 of the CFTR gene, results from a G to C substitution at nucleotide position 2406. The leucine at codon 802 is replaced by phenylalanine, an amino acid with highly similar properties. This amino acid position is conserved. In addition, the in silico prediction for this alteration is inconclusive. Since supporting evidence is limited at this time, the clinical significance of this alteration remains unclear.

Labcorp Genetics (formerly Invitae), Labcorp
Classification: Uncertain significance for Cystic fibrosis. Last evaluated: 2021-09-24. Review status: criteria provided, single submitter. Criteria: Invitae Variant Classification Sherloc (09022015). Collection method: clinical testing. Allele origin: germline.
Comment: This sequence change replaces leucine with phenylalanine at codon 802 of the CFTR protein (p.Leu802Phe). The leucine residue is moderately conserved and there is a small physicochemical difference between leucine and phenylalanine. This variant is not present in population databases (ExAC no frequency). This variant has not been reported in the literature in individuals with CFTR-related conditions. ClinVar contains an entry for this variant (Variation ID: 495910). Algorithms developed to predict the effect of missense changes on protein structure and function output the following: SIFT: "Tolerated"; PolyPhen-2: "Benign"; Align-GVGD: "Class C0". The phenylalanine amino acid residue is found in multiple mammalian species, suggesting that this missense change does not adversely affect protein function. These predictions have not been confirmed by published functional studies and their clinical significance is uncertain. In summary, the available evidence is currently insufficient to determine the role of this variant in disease. Therefore, it has been classified as a Variant of Uncertain Significance.

Women's Health and Genetics/Laboratory Corporation of America, LabCorp
Classification: Uncertain significance. Last evaluated: 2016-05-03. Review status: criteria provided, single submitter. Criteria: LabCorp Variant Classification Summary - May 2015. Collection method: clinical testing. Allele origin: germline.
Comment: Variant summary: The CFTR c.2406G>C variant affects a non-conserved nucleotide, resulting in amino acid change from Leu to Phe in the cytoplasmic R (regulatory) domain of the CFTR protein (codons 590 to 831) located between the cytoplasmic NBD1 (nucleotide binding domain) and the second transmembrane region. The N terminal portion of the R domain (RD1) is highly conserved between species but there is a lower degree of conservation between the rest of the domain (RD2). 4/5 in-silico tools predict this variant to be benign. This variant is not found in 110534 control chromosomes. The variant of interest has not, to our knowledge, been reported in affected individuals via publications and/or reputable databases/clinical laboratories; nor evaluated for functional impact by in vivo/vitro studies. Due to the absence of clinical information and the lack of functional studies, the variant was classified as a variant of uncertain significance (VUS) until additional information becomes available.

Natera, Inc.
Classification: Uncertain significance for CFTR-related disorders. Last evaluated: 2018-09-03. Review status: no assertion criteria provided. Collection method: clinical testing. Allele origin: germline. Not counted in ClinVar's aggregate classification.

NM_000492.4(CFTR):c.2406G>C (p.Leu802Phe)

Gene: CFTR (CF transmembrane conductance regulator; plus strand). Cytogenetic location: 7q31.2.
Variant type: single nucleotide variant.
Coding change: c.2406G>C on transcript NM_000492.4 (MANE Select); coding-DNA position 2406, G replaced by C.
Protein change: p.Leu802Phe; replaces leucine 802 with phenylalanine.
Molecular consequence: missense variant.
Genome position (GRCh38, 1-based): chr7:117,592,573, G>C. VCF-style: chr7-117592573-G-C. GRCh37 (hg19) VCF-style: chr7-117232627-G-C.
Other names: short protein forms L802F.
Identifiers: ClinVar variation 495910 (VCV000495910.8), dbSNP rs1314080734, ClinGen allele CA368981156.